The following is an entry in ClinVar:

ClinVar aggregate classification (germline): Uncertain significance (1 of 4 stars; one submission).

Conditions:
Cardiovascular phenotype. Identifiers: MedGen CN230736.

Submission:

Ambry Genetics
Classification: Uncertain significance for Cardiovascular phenotype. Last evaluated: 2021-02-04. Review status: criteria provided, single submitter. Criteria: Ambry Variant Classification Scheme 2023. Collection method: clinical testing. Allele origin: germline.
Comment: The p.D150E variant (also known as c.450T>G), located in coding exon 4 of the ANKRD1 gene, results from a T to G substitution at nucleotide position 450. The aspartic acid at codon 150 is replaced by glutamic acid, an amino acid with highly similar properties. This amino acid position is highly conserved in available vertebrate species. In addition, the in silico prediction for this alteration is inconclusive. Since supporting evidence is limited at this time, the clinical significance of this alteration remains unclear.

NM_014391.3(ANKRD1):c.450T>G (p.Asp150Glu)

Gene: ANKRD1 (ankyrin repeat domain 1; minus strand). Cytogenetic location: 10q23.31.
Variant type: single nucleotide variant.
Coding change: c.450T>G on transcript NM_014391.3 (MANE Select); coding-DNA position 450, T replaced by G.
Protein change: p.Asp150Glu; replaces aspartic acid 150 with glutamic acid.
Molecular consequence: missense variant.
Genome position (GRCh38, 1-based): chr10:90,918,868, A>C on the plus strand (T>G on the coding strand, the complement: ANKRD1 is on the minus strand). VCF-style: chr10-90918868-A-C. GRCh37 (hg19) VCF-style: chr10-92678625-A-C.
Other names: short protein forms D150E.
Identifiers: ClinVar variation 1741119 (VCV001741119.2), dbSNP rs775789003, ClinGen allele CA377552013.
Genomic context (GRCh38, chr10:90,918,868, plus strand): 5'-GCATAAGAAACATAAAATTAATGAGCTGGATTTTGCAGTGCTTTGCATGAGTCTTACCTC[A>C]TCACAAACATCTGGATTGTTCTTGTCTGACAAGAATTTTTCTACTACTGGCAGTTTATTC-3'
Protein context (NP_055206.2, residues 140-160): LSDKNNPDVC[Asp150Glu]EYKRTALHRA